The following is an entry in ClinVar:

ClinVar aggregate classification (germline): Conflicting classifications of pathogenicity. Review status: criteria provided, conflicting classifications (1 of 4 stars). 6 submissions from 6 submitters: Uncertain significance (1); Likely benign (4). 1 of the submissions does not count toward it. Last evaluated 2026-08-01.

Conditions:
CYP7A1-related disorder. Also called: CYP7A1-related condition.

Allele frequency attached by ClinVar (database versions not stated): 1000 Genomes Project 30x 0.00125; 1000 Genomes Project 0.00140; TOPMed 0.00246; gnomAD 0.00290 and 0.00292; ESP Exome Variant Server 0.00431.
gnomAD v4.1: 6,986 of 1,613,906 alleles (0.43%); highest among the groups gnomAD compares: Non-Finnish European, 0.49%; 21 homozygotes.

Submissions (6):

CeGaT Center for Human Genetics Tuebingen
Classification: Likely benign. Last evaluated: 2026-08-01. Review status: criteria provided, single submitter. Criteria: CeGaT Center For Human Genetics Tuebingen Variant Classification Criteria Version 2. Collection method: clinical testing. Allele origin: germline. Affected: yes. Observed: 3 variant alleles.
Comment: CYP7A1: BS2

Labcorp Genetics (formerly Invitae), Labcorp
Classification: Likely benign. Last evaluated: 2026-02-03. Review status: criteria provided, single submitter. Criteria: Invitae Variant Classification Sherloc (09022015). Collection method: clinical testing. Allele origin: germline.

Mayo Clinic Laboratories, Mayo Clinic
Classification: Uncertain significance. Last evaluated: 2025-09-03. Review status: criteria provided, single submitter. Criteria: ACMG Guidelines, 2015. Collection method: clinical testing. Allele origin: germline. Observed: 2 variant alleles.
Comment: BS2

Eurofins Ntd Llc (ga)
Classification: Likely benign. Last evaluated: 2016-06-03. Review status: criteria provided, single submitter. Criteria: EGL Classification Definitions 2015. Collection method: clinical testing. Allele origin: germline. Observed: 1 variant allele, 1 heterozygote.

Breakthrough Genomics
Classification: Likely benign. Review status: criteria provided, single submitter. Criteria: ACMG Guidelines, 2015. Collection method: not provided. Allele origin: germline. Inheritance: Unknown mechanism. Affected: yes.

PreventionGenetics, part of Exact Sciences
Classification: Likely benign for CYP7A1-related condition. Last evaluated: 2021-04-14. Review status: no assertion criteria provided. Collection method: clinical testing. Allele origin: germline. Not counted in ClinVar's aggregate classification.
Comment: This variant is classified as likely benign based on ACMG/AMP sequence variant interpretation guidelines (Richards et al. 2015 PMID: 25741868, with internal and published modifications).

Literature cited by the submitters: PubMed 16115473 (cited by Mayo Clinic Laboratories, Mayo Clinic and Eurofins Ntd Llc (ga)); PubMed 35323704 (cited by Mayo Clinic Laboratories, Mayo Clinic).

NM_000780.4(CYP7A1):c.1192C>G (p.Pro398Ala)

Genes: CYP7A1 (cytochrome P450 family 7 subfamily A member 1; minus strand), LOC126860400 (BRD4-independent group 4 enhancer GRCh37_chr8:59404317-59405516; plus strand). Cytogenetic location: 8q12.1.
Variant type: single nucleotide variant.
Coding change: c.1192C>G on transcript NM_000780.4 (MANE Select); coding-DNA position 1192, C replaced by G.
Protein change: p.Pro398Ala; replaces proline 398 with alanine.
Molecular consequence: missense variant.
Genome position (GRCh38, 1-based): chr8:58,492,376, G>C on the plus strand (C>G on the coding strand, the complement: CYP7A1 is on the minus strand). VCF-style: chr8-58492376-G-C. GRCh37 (hg19) VCF-style: chr8-59404935-G-C.
Other names: p.Pro398Ala; short protein forms P398A.
Identifiers: ClinVar variation 288450 (VCV000288450.42), dbSNP rs142708991, ClinGen allele CA4756634.
Genomic context (GRCh38, chr8:58,492,376, plus strand): 5'-TCACCTGGATATTGAATTTCAATGGGCAGGCACTTACCAAAGGGTCTGGGTAGATTTCTG[G>C]ATCTAAGTGCATTAACTGTGGGTAAAGAGCTATGATGTCATCTTTTCGGATGTTGTAGGA-3'
Protein context (NP_000771.2, residues 388-408): ALYPQLMHLD[Pro398Ala]EIYPDPLTFK